The following is an entry in ClinVar:

NM_000535.7(PMS2):c.2026A>G (p.Met676Val)

Gene: PMS2 (PMS1 homolog 2, mismatch repair system component; minus strand). Cytogenetic location: 7p22.1.
Variant type: single nucleotide variant.
Coding change: c.2026A>G on transcript NM_000535.7 (MANE Select); coding-DNA position 2026, A replaced by G.
Protein change: p.Met676Val; replaces methionine 676 with valine.
Molecular consequence: missense variant. On other transcripts: non-coding transcript variant (1).
Genome position (GRCh38, 1-based): chr7:5,982,972, T>C on the plus strand (A>G on the coding strand, the complement: PMS2 is on the minus strand). VCF-style: chr7-5982972-T-C. GRCh37 (hg19) VCF-style: chr7-6022603-T-C.
Other names: c.1621A>G, p.Met541Val (NM_001322003.2, NM_001322004.2, NM_001322005.2 and 1 more transcripts); c.1870A>G, p.Met624Val (NM_001322006.2); c.1708A>G, p.Met570Val (NM_001322007.2, NM_001322008.2); c.1465A>G, p.Met489Val (NM_001322010.2); c.1093A>G, p.Met365Val (NM_001322011.2, NM_001322012.2); c.1453A>G, p.Met485Val (NM_001322013.2); c.2026A>G, p.Met676Val (NM_001322014.2); c.1717A>G, p.Met573Val (NM_001322015.2); short protein forms M676V, M541V, M573V, M365V, M570V, M624V, M485V, M489V.
Identifiers: ClinVar variation 455682 (VCV000455682.11), dbSNP rs1554295955, ClinGen allele CA366738158.

ClinVar aggregate classification (germline): Uncertain significance. Review status: criteria provided, multiple submitters, no conflicts (2 of 4 stars). 2 submissions from 2 submitters: Uncertain significance (2). Last evaluated 2024-06-11.

Conditions:
Hereditary nonpolyposis colorectal neoplasms. Identifiers: MedGen C0009405, MeSH D003123.
Hereditary cancer-predisposing syndrome. Also called: Hereditary Cancer Syndrome; Hereditary neoplastic syndrome; Neoplastic Syndromes, Hereditary; Tumor predisposition. Identifiers: Orphanet 140162, MedGen C0027672, MeSH D009386, MONDO:0015356.

Submissions (2):

Ambry Genetics
Classification: Uncertain significance for Hereditary cancer-predisposing syndrome. Last evaluated: 2024-06-11. Review status: criteria provided, single submitter. Criteria: Ambry Variant Classification Scheme 2023. Collection method: clinical testing. Allele origin: germline.
Comment: The p.M676V variant (also known as c.2026A>G), located in coding exon 12 of the PMS2 gene, results from an A to G substitution at nucleotide position 2026. The methionine at codon 676 is replaced by valine, an amino acid with highly similar properties. This amino acid position is conserved. In addition, this alteration is predicted to be deleterious by in silico analysis. Based on the available evidence, the clinical significance of this variant remains unclear.

Labcorp Genetics (formerly Invitae), Labcorp
Classification: Uncertain significance for Hereditary nonpolyposis colorectal neoplasms. Last evaluated: 2022-07-21. Review status: criteria provided, single submitter. Criteria: Invitae Variant Classification Sherloc (09022015). Collection method: clinical testing. Allele origin: germline.
Comment: This sequence change replaces methionine, which is neutral and non-polar, with valine, which is neutral and non-polar, at codon 676 of the PMS2 protein (p.Met676Val). The frequency data for this variant in the population databases (gnomAD) is considered unreliable due to the presence of homologous sequence, such as pseudogenes or paralogs, in the genome. This variant has not been reported in the literature in individuals affected with PMS2-related conditions. ClinVar contains an entry for this variant (Variation ID: 455682). Algorithms developed to predict the effect of missense changes on protein structure and function are either unavailable or do not agree on the potential impact of this missense change (SIFT: "Deleterious"; PolyPhen-2: "Probably Damaging"; Align-GVGD: "Class C15"). In summary, the available evidence is currently insufficient to determine the role of this variant in disease. Therefore, it has been classified as a Variant of Uncertain Significance.